The following is an entry in ClinVar:

ClinVar aggregate classification (germline): Likely benign (0 of 4 stars; one submission).

Conditions:
MDN1-related disorder. Also called: MDN1-related condition.

Submission:

PreventionGenetics, part of Exact Sciences
Classification: Likely benign for MDN1-related condition. Last evaluated: 2019-08-16. Review status: no assertion criteria provided. Collection method: clinical testing. Allele origin: germline.
Comment: This variant is classified as likely benign based on ACMG/AMP sequence variant interpretation guidelines (Richards et al. 2015 PMID: 25741868, with internal and published modifications).

NM_014611.3(MDN1):c.1335-6del

Gene: MDN1 (midasin AAA ATPase 1; minus strand). Cytogenetic location: 6q15.
Variant type: Deletion.
Coding change: c.1335-6del on transcript NM_014611.3 (MANE Select); 6 bases into the intron before coding-DNA position 1335, one base deleted (A; older notation c.1335-6delA).
Molecular consequence: intron variant.
Genome position (GRCh38, 1-based): chr6:89,785,132, T deleted on the plus strand (A on the coding strand, the reverse complement: MDN1 is on the minus strand); the first of 3 consecutive T bases (chr6:89,785,132-89,785,134); deleting any one gives the same sequence. VCF-style (leftmost placement, unchanged base first): chr6-89785131-GT-G. GRCh37 (hg19) VCF-style: chr6-90494850-GT-G.
Identifiers: ClinVar variation 3053543 (VCV003053543.2), dbSNP rs138866352, ClinGen allele CA3926039.